The following is an entry in ClinVar:

NM_052844.4(DYNC2I2):c.1201T>C (p.Ser401Pro)

Genes: DYNC2I2 (dynein 2 intermediate chain 2; minus strand), LOC126860772 (CDK7 strongly-dependent group 2 enhancer GRCh37_chr9:131396972-131398171; plus strand). Cytogenetic location: 9q34.11.
Variant type: single nucleotide variant.
Coding change: c.1201T>C on transcript NM_052844.4 (MANE Select); coding-DNA position 1201, T replaced by C.
Protein change: p.Ser401Pro; replaces serine 401 with proline.
Molecular consequence: missense variant.
Genome position (GRCh38, 1-based): chr9:128,634,702, A>G on the plus strand (T>C on the coding strand, the complement: DYNC2I2 is on the minus strand). VCF-style: chr9-128634702-A-G. GRCh37 (hg19) VCF-style: chr9-131396981-A-G.
Other names: short protein forms S401P.
Identifiers: ClinVar variation 2102116 (VCV002102116.4), dbSNP rs1860335863, ClinGen allele CA375111828.

ClinVar aggregate classification (germline): Uncertain significance (1 of 4 stars; one submission).

Conditions:
Short-rib thoracic dysplasia 11 with or without polydactyly (SRTD11). Also called: SHORT-RIB THORACIC DYSPLASIA 11 WITHOUT POLYDACTYLY. Identifiers: Orphanet 474, Orphanet 93271, MedGen C3810200, MONDO:0014287, OMIM 615633.

Allele frequency attached by ClinVar (database versions not stated): TOPMed below 0.00001.

Submission:

Labcorp Genetics (formerly Invitae), Labcorp
Classification: Uncertain significance for Short-rib thoracic dysplasia 11 with or without polydactyly. Last evaluated: 2022-02-22. Review status: criteria provided, single submitter. Criteria: Invitae Variant Classification Sherloc (09022015). Collection method: clinical testing. Allele origin: germline.
Comment: Algorithms developed to predict the effect of missense changes on protein structure and function are either unavailable or do not agree on the potential impact of this missense change (SIFT: "Deleterious"; PolyPhen-2: "Probably Damaging"; Align-GVGD: "Class C0"). This variant has not been reported in the literature in individuals affected with WDR34-related conditions. This variant is not present in population databases (gnomAD no frequency). This sequence change replaces serine, which is neutral and polar, with proline, which is neutral and non-polar, at codon 401 of the WDR34 protein (p.Ser401Pro). In summary, the available evidence is currently insufficient to determine the role of this variant in disease. Therefore, it has been classified as a Variant of Uncertain Significance.